The following is an entry in ClinVar:

NM_000138.5(FBN1):c.6836G>C (p.Gly2279Ala)

Gene: FBN1 (fibrillin 1; minus strand). Cytogenetic location: 15q21.1.
Variant type: single nucleotide variant.
Coding change: c.6836G>C on transcript NM_000138.5 (MANE Select); coding-DNA position 6836, G replaced by C.
Protein change: p.Gly2279Ala; replaces glycine 2279 with alanine.
Molecular consequence: missense variant.
Genome position (GRCh38, 1-based): chr15:48,430,706, C>G on the plus strand (G>C on the coding strand, the complement: FBN1 is on the minus strand). VCF-style: chr15-48430706-C-G. GRCh37 (hg19) VCF-style: chr15-48722903-C-G.
Other names: c.6836G>C, p.Gly2279Ala (NM_001406716.1); short protein forms G2279A.
Identifiers: ClinVar variation 3751311 (VCV003751311.2).
Genomic context (GRCh38, chr15:48,430,706, plus strand): 5'-GCTCCTTCCACAGGGATCCTCTTACCTACACAGCCTTCTCCATCAGGTCTCCGCTGATAC[C>G]CGGGTCCACAGATGCACATATATGTGCCAATGAGGTTCTTGCATTCCATTTGTTTTTCAG-3'
Protein context (NP_000129.3, residues 2269-2289): IGTYMCICGP[Gly2279Ala]YQRRPDGEGC

ClinVar aggregate classification (germline): Uncertain significance (1 of 4 stars; one submission).

Conditions:
Marfan syndrome (MFS). Also called: MARFAN SYNDROME, TYPE I; Marfan syndrome type 1; Marfan's syndrome; Marfan syndrome, classic; FBN1-Related Marfan Syndrome. Identifiers: Orphanet 284963, Orphanet 558, MedGen C0024796, MONDO:0007947, OMIM 154700.
Familial thoracic aortic aneurysm and aortic dissection (TAAD). Also called: Thoracic aortic aneurysms and dissections. Identifiers: Orphanet 91387, MedGen C4707243, MONDO:0019625.

Submission:

Labcorp Genetics (formerly Invitae), Labcorp
Classification: Uncertain significance for Marfan syndrome; Familial thoracic aortic aneurysm and aortic dissection. Last evaluated: 2024-04-18. Review status: criteria provided, single submitter. Criteria: Invitae Variant Classification Sherloc (09022015). Collection method: clinical testing. Allele origin: germline.
Comment: This sequence change replaces glycine, which is neutral and non-polar, with alanine, which is neutral and non-polar, at codon 2279 of the FBN1 protein (p.Gly2279Ala). This variant is not present in population databases (gnomAD no frequency). This variant has not been reported in the literature in individuals affected with FBN1-related conditions. Advanced modeling of protein sequence and biophysical properties (such as structural, functional, and spatial information, amino acid conservation, physicochemical variation, residue mobility, and thermodynamic stability) performed at Invitae indicates that this missense variant is expected to disrupt FBN1 protein function with a positive predictive value of 95%. In summary, the available evidence is currently insufficient to determine the role of this variant in disease. Therefore, it has been classified as a Variant of Uncertain Significance.